The following is an entry in ClinVar:

ClinVar aggregate classification (germline): Likely benign. Review status: criteria provided, multiple submitters, no conflicts (2 of 4 stars). 4 submissions from 4 submitters: Likely benign (3). 1 of the submissions does not count toward it. Last evaluated 2026-01-22.

Conditions:
C8A-related disorder. Also called: C8A-related condition.

Allele frequency attached by ClinVar (database versions not stated): gnomAD exomes 0.00009 and 0.00025; 1000 Genomes Project 30x 0.00016; 1000 Genomes Project 0.00020; ExAC 0.00027; TOPMed 0.00056; gnomAD 0.00058 and 0.00059; ESP Exome Variant Server 0.00100.
gnomAD v4.1: 232 of 1,613,688 alleles (0.014%); highest among the groups gnomAD compares: African/African-American, 0.19%; 1 homozygote.

Submissions (4):

Women's Health and Genetics/Laboratory Corporation of America, LabCorp
Classification: Likely benign. Last evaluated: 2026-01-22. Review status: criteria provided, single submitter. Criteria: LabCorp Variant Classification Summary - May 2015. Collection method: clinical testing. Allele origin: germline.

Labcorp Genetics (formerly Invitae), Labcorp
Classification: Likely benign. Last evaluated: 2026-01-13. Review status: criteria provided, single submitter. Criteria: Invitae Variant Classification Sherloc (09022015). Collection method: clinical testing. Allele origin: germline.

Blueprint Genetics
Classification: Likely benign. Last evaluated: 2024-08-28. Review status: criteria provided, single submitter. Criteria: ACMG Guidelines, 2015. Collection method: clinical testing. Allele origin: germline.

PreventionGenetics, part of Exact Sciences
Classification: Likely benign for C8A-related condition. Last evaluated: 2023-07-31. Review status: no assertion criteria provided. Collection method: clinical testing. Allele origin: germline. Not counted in ClinVar's aggregate classification.
Comment: This variant is classified as likely benign based on ACMG/AMP sequence variant interpretation guidelines (Richards et al. 2015 PMID: 25741868, with internal and published modifications).

NM_000562.3(C8A):c.856-13C>T

Gene: C8A (complement C8 alpha chain; plus strand). Cytogenetic location: 1p32.2.
Variant type: single nucleotide variant.
Coding change: c.856-13C>T on transcript NM_000562.3 (MANE Select); 13 bases into the intron before coding-DNA position 856, C replaced by T.
Molecular consequence: intron variant.
Genome position (GRCh38, 1-based): chr1:56,885,914, C>T. VCF-style: chr1-56885914-C-T. GRCh37 (hg19) VCF-style: chr1-57351587-C-T.
Other names: c.856-13C>T (NM_000562.2).
Identifiers: ClinVar variation 1632796 (VCV001632796.12), dbSNP rs375634050, ClinGen allele CA875193.